The following is an entry in ClinVar:

NM_016239.4(MYO15A):c.6791G>A (p.Trp2264Ter)

Gene: MYO15A (myosin XVA; plus strand). Cytogenetic location: 17p11.2.
Variant type: single nucleotide variant.
Coding change: c.6791G>A on transcript NM_016239.4 (MANE Select); coding-DNA position 6791, G replaced by A.
Protein change: p.Trp2264Ter; replaces tryptophan 2264 with a stop codon.
Molecular consequence: nonsense.
Genome position (GRCh38, 1-based): chr17:18,148,787, G>A. VCF-style: chr17-18148787-G-A. GRCh37 (hg19) VCF-style: chr17-18052101-G-A.
Other names: short protein forms W2264*.
Identifiers: ClinVar variation 2846532 (VCV002846532.3), dbSNP rs1490226197, ClinGen allele CA398612134.
Genomic context (GRCh38, chr17:18,148,787, plus strand): 5'-CCCTCATTTCCATTCCTGTGCATGCCATCACCAGGGGGCTGGCAGATGGCTGGCGCGGCT[G>A]GACCGTGGCCATGAAGAATGGTGTCCAGTGGGCAGAGCTGGCTGGCCACGACTACGTGTT-3'

ClinVar aggregate classification (germline): Pathogenic (1 of 4 stars; one submission).

Allele frequency attached by ClinVar (database versions not stated): gnomAD exomes below 0.00001.
gnomAD v4.1: 4 of 1,602,944 alleles (0.00025%); highest among the groups gnomAD compares: Non-Finnish European, 0.00034%; no homozygotes.

Submission:

Labcorp Genetics (formerly Invitae), Labcorp
Classification: Pathogenic. Last evaluated: 2023-03-17. Review status: criteria provided, single submitter. Criteria: Invitae Variant Classification Sherloc (09022015). Collection method: clinical testing. Allele origin: germline.
Comment: This sequence change creates a premature translational stop signal (p.Trp2264*) in the MYO15A gene. It is expected to result in an absent or disrupted protein product. Loss-of-function variants in MYO15A are known to be pathogenic (PMID: 17546645). The frequency data for this variant in the population databases is considered unreliable, as metrics indicate poor data quality at this position in the gnomAD database. This variant has not been reported in the literature in individuals affected with MYO15A-related conditions. For these reasons, this variant has been classified as Pathogenic.

Literature cited by the submitters: PubMed 17546645.